The following is an entry in ClinVar:

ClinVar aggregate classification (germline): Likely pathogenic (1 of 4 stars; one submission).

Submission:

GeneDx
Classification: Likely pathogenic. Last evaluated: 2017-04-24. Review status: criteria provided, single submitter. Criteria: GeneDx Variant Classification (06012015). Collection method: clinical testing. Allele origin: germline. Affected: yes.
Comment: The c.2696_2698delTGT variant has not been published as a pathogenic variant, nor has it been reported as a benign variant to our knowledge. It has been observed to occur apparently de novo at GeneDx. The variant is not observed in large population cohorts (Lek et al., 2016; 1000 Genomes Consortium et al., 2015; Exome Variant Server). c.2696_2698delTGT results in the in-frame deletion of a conserved Leucine residue, and in silico analysis predicts this variant is probably damaging to the protein structure/function. However, in the absence of functional studies, the actual effect of this variant in this individual is unknown. In summary, we consider this variant to be likely pathogenic.

NM_001042492.3(NF1):c.2693TGT[1] (p.Leu899del)

Gene: NF1 (neurofibromin 1; plus strand). Cytogenetic location: 17q11.2.
Variant type: Microsatellite.
Coding change: c.2693TGT[1] on transcript NM_001042492.3 (MANE Select); one copy of the 3-base unit TGT starting at c.2693; the reference has two copies in a row; one copy, 3 bases deleted.
Protein change: p.Leu899del; deletes leucine 899.
Molecular consequence: inframe deletion. On other transcripts: inframe indel (1).
Genome position (GRCh38, 1-based): chr17:31,229,311-31,229,313, TGT deleted; deleting any 3 consecutive bases within chr17:31,229,308-31,229,313 gives the same sequence; the position shown is the placement nearest the transcript's 3' end. VCF-style (leftmost placement, unchanged base first): chr17-31229307-CTGT-C. GRCh37 (hg19) VCF-style: chr17-29556325-CTGT-C.
Other names: c.2696_2698delTGT (NM_000267.3); c.2693_2695TGT[1], p.Leu899del (NM_000267.4); short protein forms L899del.
Identifiers: ClinVar variation 424381 (VCV000424381.2), dbSNP rs1064796946, ClinGen allele CA16620362.